The following is an entry in ClinVar:

NM_001278431.2(C1QTNF5):c.196G>A (p.Gly66Ser)

Genes: C1QTNF5 (C1q and TNF related 5; minus strand), MFRP (membrane frizzled-related protein; minus strand). Cytogenetic location: 11q23.3.
Variant type: single nucleotide variant.
Coding change: c.196G>A on transcript NM_001278431.2 (MANE Select); coding-DNA position 196, G replaced by A.
Protein change: p.Gly66Ser; replaces glycine 66 with serine.
Molecular consequence: missense variant. On other transcripts: 3 prime UTR variant (1).
Genome position (GRCh38, 1-based): chr11:119,340,202, C>T on the plus strand (G>A on the coding strand, the complement: C1QTNF5 is on the minus strand). VCF-style: chr11-119340202-C-T. GRCh37 (hg19) VCF-style: chr11-119210912-C-T.
Other names: c.196G>A, p.Gly66Ser (NM_015645.5); c.*1092G>A (NM_031433.4); short protein forms G66S.
Identifiers: ClinVar variation 2837466 (VCV002837466.3), dbSNP rs2497074405, ClinGen allele CA382970290.

ClinVar aggregate classification (germline): Uncertain significance (1 of 4 stars; one submission).

Submission:

Labcorp Genetics (formerly Invitae), Labcorp
Classification: Uncertain significance. Last evaluated: 2023-02-22. Review status: criteria provided, single submitter. Criteria: Invitae Variant Classification Sherloc (09022015). Collection method: clinical testing. Allele origin: germline.
Comment: In summary, the available evidence is currently insufficient to determine the role of this variant in disease. Therefore, it has been classified as a Variant of Uncertain Significance. An algorithm developed to predict the effect of missense changes on protein structure and function (PolyPhen-2) suggests that this variant is likely to be disruptive. This variant has not been reported in the literature in individuals affected with C1QTNF5-related conditions. This variant is not present in population databases (gnomAD no frequency). This sequence change replaces glycine, which is neutral and non-polar, with serine, which is neutral and polar, at codon 66 of the C1QTNF5 protein (p.Gly66Ser).